The following is an entry in ClinVar:

NM_006642.5(SDCCAG8):c.1287G>T (p.Lys429Asn)

Gene: SDCCAG8 (SHH signaling and ciliogenesis regulator SDCCAG8; plus strand). Cytogenetic location: 1q43.
Variant type: single nucleotide variant.
Coding change: c.1287G>T on transcript NM_006642.5 (MANE Select); coding-DNA position 1287, G replaced by T.
Protein change: p.Lys429Asn; replaces lysine 429 with asparagine.
Molecular consequence: missense variant.
Genome position (GRCh38, 1-based): chr1:243,341,104, G>T. VCF-style: chr1-243341104-G-T. GRCh37 (hg19) VCF-style: chr1-243504406-G-T.
Other names: c.384G>T, p.Lys128Asn (NM_001350246.2, NM_001350247.2, NM_001350251.2); c.1383G>T, p.Lys461Asn (NM_001350248.2); c.993G>T, p.Lys331Asn (NM_001350249.2); c.1287G>T (NM_006642.3); short protein forms K128N, K331N, K429N, K461N.
Identifiers: ClinVar variation 1509904 (VCV001509904.6), dbSNP rs781182231, ClinGen allele CA1483609.

ClinVar aggregate classification (germline): Uncertain significance. Review status: criteria provided, multiple submitters, no conflicts (2 of 4 stars). 2 submissions from 2 submitters: Uncertain significance (2). Last evaluated 2025-07-24.

Conditions:
Bardet-Biedl syndrome 16 (BBS16). Identifiers: Orphanet 110, MedGen C3889474, MONDO:0014444, OMIM 615993.
Senior-Loken syndrome 7 (SLSN7). Identifiers: Orphanet 3156, MedGen C3150877, MONDO:0013326, OMIM 613615.
SDCCAG8-related disorder. Also called: SDCCAG8-related condition; SDCCAG8-Related Disorders.

Allele frequency attached by ClinVar (database versions not stated): gnomAD 0.00001; TOPMed 0.00001; ExAC 0.00002; gnomAD exomes 0.00002 and 0.00003.
gnomAD v4.1: 47 of 1,614,000 alleles (0.0029%); highest among the groups gnomAD compares: Non-Finnish European, 0.004%; no homozygotes.

Submissions (2):

PreventionGenetics, part of Exact Sciences
Classification: Uncertain significance for SDCCAG8-related condition. Last evaluated: 2025-07-24. Review status: criteria provided, single submitter. Criteria: ACMG Guidelines, 2015. Collection method: clinical testing. Allele origin: germline.
Comment: The SDCCAG8 c.1287G>T variant is predicted to result in the amino acid substitution p.Lys429Asn. To our knowledge, this variant has not been reported in the literature. This variant is reported in 0.0046% of alleles in individuals of European (Non-Finnish) descent in gnomAD. At this time, the clinical significance of this variant is uncertain due to the absence of conclusive functional and genetic evidence.

Labcorp Genetics (formerly Invitae), Labcorp
Classification: Uncertain significance for Bardet-Biedl syndrome 16; Senior-Loken syndrome 7. Last evaluated: 2022-07-19. Review status: criteria provided, single submitter. Criteria: Invitae Variant Classification Sherloc (09022015). Collection method: clinical testing. Allele origin: germline.
Comment: In summary, the available evidence is currently insufficient to determine the role of this variant in disease. Therefore, it has been classified as a Variant of Uncertain Significance. Algorithms developed to predict the effect of missense changes on protein structure and function are either unavailable or do not agree on the potential impact of this missense change (SIFT: "Deleterious"; PolyPhen-2: "Probably Damaging"; Align-GVGD: "Class C0"). ClinVar contains an entry for this variant (Variation ID: 1509904). This variant has not been reported in the literature in individuals affected with SDCCAG8-related conditions. This variant is present in population databases (rs781182231, gnomAD 0.005%). This sequence change replaces lysine, which is basic and polar, with asparagine, which is neutral and polar, at codon 429 of the SDCCAG8 protein (p.Lys429Asn).